The following is an entry in ClinVar:

ClinVar aggregate classification (germline): Uncertain significance. Review status: criteria provided, multiple submitters, no conflicts (2 of 4 stars). 3 submissions from 3 submitters: Uncertain significance (3). Last evaluated 2025-04-05.

Conditions:
Colorectal cancer, hereditary nonpolyposis, type 7. Identifiers: Orphanet 144, MedGen C1858380, MONDO:0013725, OMIM 614385.
Colorectal cancer. Also called: Colorectal cancer, somatic; Malignant Colorectal Neoplasm. Identifiers: MedGen C0346629, MONDO:0005575, OMIM 114500.
Endometrial carcinoma. Also called: Endometrial carcinoma, somatic. Identifiers: MedGen C0476089, MONDO:0002447, OMIM 608089, HP:0012114.

Allele frequency attached by ClinVar (database versions not stated): gnomAD 0.00001; TOPMed 0.00001; gnomAD exomes 0.00002 and 0.00003; ESP Exome Variant Server 0.00008; ExAC 0.00001.
gnomAD v4.1: 50 of 1,614,028 alleles (0.0031%); highest among the groups gnomAD compares: Non-Finnish European, 0.004%; no homozygotes.

Submissions (3):

Ambry Genetics
Classification: Uncertain significance. Last evaluated: 2025-04-05. Review status: criteria provided, single submitter. Criteria: Ambry Variant Classification Scheme 2023. Collection method: clinical testing. Allele origin: germline.
Comment: The p.C161R variant (also known as c.481T>C), located in coding exon 1 of the MLH3 gene, results from a T to C substitution at nucleotide position 481. The cysteine at codon 161 is replaced by arginine, an amino acid with highly dissimilar properties. This amino acid position is conserved. In addition, the in silico prediction for this alteration is inconclusive. Since supporting evidence is limited at this time, the clinical significance of this alteration remains unclear.

Fulgent Genetics
Classification: Uncertain significance for Colorectal cancer; Endometrial carcinoma; Colorectal cancer, hereditary nonpolyposis, type 7. Last evaluated: 2024-04-12. Review status: criteria provided, single submitter. Criteria: ACMG Guidelines, 2015. Collection method: clinical testing. Allele origin: germline.

Labcorp Genetics (formerly Invitae), Labcorp
Classification: Uncertain significance for Colorectal cancer, hereditary nonpolyposis, type 7. Last evaluated: 2019-07-26. Review status: criteria provided, single submitter. Criteria: Invitae Variant Classification Sherloc (09022015). Collection method: clinical testing. Allele origin: germline.
Comment: In summary, the available evidence is currently insufficient to determine the role of this variant in disease. Therefore, it has been classified as a Variant of Uncertain Significance. Algorithms developed to predict the effect of missense changes on protein structure and function (SIFT, PolyPhen-2, Align-GVGD) all suggest that this variant is likely to be tolerated, but these predictions have not been confirmed by published functional studies and their clinical significance is uncertain. This variant has not been reported in the literature in individuals with MLH3-related disease. This variant is present in population databases (rs368724856, ExAC 0.001%). This sequence change replaces cysteine with arginine at codon 161 of the MLH3 protein (p.Cys161Arg). The cysteine residue is weakly conserved and there is a large physicochemical difference between cysteine and arginine.

NM_001040108.2(MLH3):c.481T>C (p.Cys161Arg)

Gene: MLH3 (mutL homolog 3; minus strand). Cytogenetic location: 14q24.3.
Variant type: single nucleotide variant.
Coding change: c.481T>C on transcript NM_001040108.2 (MANE Select); coding-DNA position 481, T replaced by C.
Protein change: p.Cys161Arg; replaces cysteine 161 with arginine.
Molecular consequence: missense variant.
Genome position (GRCh38, 1-based): chr14:75,049,175, A>G on the plus strand (T>C on the coding strand, the complement: MLH3 is on the minus strand). VCF-style: chr14-75049175-A-G. GRCh37 (hg19) VCF-style: chr14-75515878-A-G.
Other names: c.481T>C, p.Cys161Arg (NM_014381.3); short protein forms C161R.
Identifiers: ClinVar variation 544270 (VCV000544270.14), dbSNP rs368724856, ClinGen allele CA7276020.